The following is an entry in ClinVar:

ClinVar aggregate classification (germline): Uncertain significance (1 of 4 stars; one submission).

Conditions:
MHC class II deficiency. Also called: BLS, TYPE II; Bare lymphocyte syndrome 2. Identifiers: Orphanet 572, MedGen C5447452, MONDO:0008855.

Allele frequency attached by ClinVar (database versions not stated): TOPMed below 0.00001.

Submission:

Labcorp Genetics (formerly Invitae), Labcorp
Classification: Uncertain significance for MHC class II deficiency. Last evaluated: 2022-08-23. Review status: criteria provided, single submitter. Criteria: Invitae Variant Classification Sherloc (09022015). Collection method: clinical testing. Allele origin: germline.
Comment: This sequence change replaces serine, which is neutral and polar, with asparagine, which is neutral and polar, at codon 513 of the CIITA protein (p.Ser513Asn). This variant is not present in population databases (gnomAD no frequency). This variant has not been reported in the literature in individuals affected with CIITA-related conditions. ClinVar contains an entry for this variant (Variation ID: 1398357). Algorithms developed to predict the effect of missense changes on protein structure and function are either unavailable or do not agree on the potential impact of this missense change (SIFT: "Tolerated"; PolyPhen-2: "Possibly Damaging"; Align-GVGD: "Class C0"). In summary, the available evidence is currently insufficient to determine the role of this variant in disease. Therefore, it has been classified as a Variant of Uncertain Significance.

NM_000246.4(CIITA):c.1538G>A (p.Ser513Asn)

Gene: CIITA (class II major histocompatibility complex transactivator; plus strand). Cytogenetic location: 16p13.13.
Variant type: single nucleotide variant.
Coding change: c.1538G>A on transcript NM_000246.4 (MANE Select); coding-DNA position 1538, G replaced by A.
Protein change: p.Ser513Asn; replaces serine 513 with asparagine.
Molecular consequence: missense variant. On other transcripts: intron variant (1).
Genome position (GRCh38, 1-based): chr16:10,907,030, G>A. VCF-style: chr16-10907030-G-A. GRCh37 (hg19) VCF-style: chr16-11000887-G-A.
Other names: c.1541G>A, p.Ser514Asn (NM_001286402.1, NM_001379332.1); c.1394G>A, p.Ser465Asn (NM_001379330.1); c.1391G>A, p.Ser464Asn (NM_001379331.1); c.1538G>A, p.Ser513Asn (NM_001379333.1); c.1469G>A, p.Ser490Asn (NM_001379334.1); c.860-1953G>A (NM_001286403.2); short protein forms S513N, S514N, S464N, S465N, S490N.
Identifiers: ClinVar variation 1398357 (VCV001398357.5), dbSNP rs2039214040, ClinGen allele CA394730998.